The following is an entry in ClinVar:

ClinVar aggregate classification (germline): Benign. Review status: criteria provided, single submitter (1 of 4 stars). 2 submissions from 2 submitters: Benign (1). 1 of the submissions does not count toward it. Last evaluated 2025-02-02.

Conditions:
KMT2D-related disorder. Also called: KMT2D-Related Disorders.
Kabuki syndrome. Also called: NIIKAWA-KUROKI SYNDROME; Kabuki make-up syndrome. Identifiers: Orphanet 2322, MedGen C0796004, MONDO:0016512.

gnomAD v4.1: 9 of 1,612,642 alleles (0.00056%); highest among the groups gnomAD compares: Admixed American, 0.0067%; no homozygotes.

Submissions (2):

Labcorp Genetics (formerly Invitae), Labcorp
Classification: Benign for Kabuki syndrome. Last evaluated: 2025-02-02. Review status: criteria provided, single submitter. Criteria: Invitae Variant Classification Sherloc (09022015). Collection method: clinical testing. Allele origin: germline.

PreventionGenetics, part of Exact Sciences
Classification: Uncertain significance for KMT2D-related condition. Last evaluated: 2024-04-04. Review status: no assertion criteria provided. Collection method: clinical testing. Allele origin: germline. Not counted in ClinVar's aggregate classification.
Comment: The KMT2D c.3214G>A variant is predicted to result in the amino acid substitution p.Glu1072Lys. To our knowledge, this variant has not been reported in the literature. This variant is reported in 0.0059% of alleles in individuals of Latino descent in gnomAD. At this time, the clinical significance of this variant is uncertain due to the absence of conclusive functional and genetic evidence.

NM_003482.4(KMT2D):c.3214G>A (p.Glu1072Lys)

Gene: KMT2D (lysine methyltransferase 2D; minus strand). Cytogenetic location: 12q13.12.
Variant type: single nucleotide variant.
Coding change: c.3214G>A on transcript NM_003482.4 (MANE Select); coding-DNA position 3214, G replaced by A.
Protein change: p.Glu1072Lys; replaces glutamic acid 1072 with lysine.
Molecular consequence: missense variant.
Genome position (GRCh38, 1-based): chr12:49,050,374, C>T on the plus strand (G>A on the coding strand, the complement: KMT2D is on the minus strand). VCF-style: chr12-49050374-C-T. GRCh37 (hg19) VCF-style: chr12-49444157-C-T.
Other names: short protein forms E1072K.
Identifiers: ClinVar variation 3348706 (VCV003348706.3).